The following is an entry in ClinVar:

NM_001369268.1(ACAN):c.980C>T (p.Thr327Ile)

Gene: ACAN (aggrecan; plus strand). Cytogenetic location: 15q26.1.
Variant type: single nucleotide variant.
Coding change: c.980C>T on transcript NM_001369268.1 (MANE Select); coding-DNA position 980, C replaced by T.
Protein change: p.Thr327Ile; replaces threonine 327 with isoleucine.
Molecular consequence: missense variant.
Genome position (GRCh38, 1-based): chr15:88,843,577, C>T. VCF-style: chr15-88843577-C-T. GRCh37 (hg19) VCF-style: chr15-89386808-C-T.
Other names: c.980C>T, p.Thr327Ile (NM_001135.4, NM_001411096.1, NM_001411097.1 and 1 more transcripts); short protein forms T327I.
Identifiers: ClinVar variation 2694464 (VCV002694464.3), dbSNP rs1896720286, ClinGen allele CA393708000.

ClinVar aggregate classification (germline): Uncertain significance (1 of 4 stars; one submission).

Allele frequency attached by ClinVar (database versions not stated): gnomAD exomes below 0.00001; gnomAD 0.00001.
gnomAD v4.1: 3 of 1,611,718 alleles (0.00019%); highest among the groups gnomAD compares: Non-Finnish European, 0.00017%; no homozygotes.

Submission:

Labcorp Genetics (formerly Invitae), Labcorp
Classification: Uncertain significance. Last evaluated: 2023-11-08. Review status: criteria provided, single submitter. Criteria: Invitae Variant Classification Sherloc (09022015). Collection method: clinical testing. Allele origin: germline.
Comment: This sequence change replaces threonine, which is neutral and polar, with isoleucine, which is neutral and non-polar, at codon 327 of the ACAN protein (p.Thr327Ile). This variant is not present in population databases (gnomAD no frequency). This variant has not been reported in the literature in individuals affected with ACAN-related conditions. Advanced modeling of protein sequence and biophysical properties (such as structural, functional, and spatial information, amino acid conservation, physicochemical variation, residue mobility, and thermodynamic stability) performed at Invitae indicates that this missense variant is not expected to disrupt ACAN protein function with a negative predictive value of 80%. In summary, the available evidence is currently insufficient to determine the role of this variant in disease. Therefore, it has been classified as a Variant of Uncertain Significance.